The following is an entry in ClinVar:

NM_201384.3(PLEC):c.4539G>A (p.Ala1513=)

Gene: PLEC (plectin; minus strand). Cytogenetic location: 8q24.3.
Variant type: single nucleotide variant.
Coding change: c.4539G>A on transcript NM_201384.3 (MANE Select); coding-DNA position 4539, G replaced by A.
Protein change: p.Ala1513=; no amino-acid change (alanine 1513 retained).
Molecular consequence: synonymous variant.
Genome position (GRCh38, 1-based): chr8:143,925,390, C>T on the plus strand (G>A on the coding strand, the complement: PLEC is on the minus strand). VCF-style: chr8-143925390-C-T. GRCh37 (hg19) VCF-style: chr8-144999558-C-T.
Other names: c.4620G>A, p.Ala1540= (NM_000445.5); c.4497G>A, p.Ala1499= (NM_201378.4); c.4473G>A, p.Ala1491= (NM_201379.3); c.4950G>A, p.Ala1650= (NM_201380.4); c.4443G>A, p.Ala1481= (NM_201381.3); c.4539G>A, p.Ala1513= (NM_201382.4); c.4551G>A, p.Ala1517= (NM_201383.3); c.4620G>A (NM_000445.3).
Identifiers: ClinVar variation 732449 (VCV000732449.31), dbSNP rs781855382, ClinGen allele CA4926630.

ClinVar aggregate classification (germline): Likely benign. Review status: criteria provided, multiple submitters, no conflicts (2 of 4 stars). 3 submissions from 3 submitters: Likely benign (3). Last evaluated 2025-12-08.

Conditions:
Inborn genetic diseases. Identifiers: MedGen C0950123, MeSH D030342.
Epidermolysis bullosa simplex, Ogna type (EBS5A). Also called: EPIDERMOLYSIS BULLOSA SIMPLEX 5A, OGNA TYPE; Pidermolysis bullosa simplex 5A, Ogna type. Identifiers: Orphanet 79401, MedGen C0432317, MONDO:0007555, OMIM 131950.
Autosomal recessive limb-girdle muscular dystrophy type 2Q (LGMDR17). Also called: MUSCULAR DYSTROPHY, LIMB-GIRDLE, AUTOSOMAL RECESSIVE 17. Identifiers: Orphanet 254361, MedGen C3150989, MONDO:0013390, OMIM 613723.
Epidermolysis bullosa simplex with nail dystrophy (EBS5D). Identifiers: MedGen C4225309, MONDO:0014661, OMIM 616487.
Epidermolysis bullosa simplex 5B, with muscular dystrophy (EBS5B). Also called: EPIDERMOLYSIS BULLOSA SIMPLEX AND LIMB-GIRDLE MUSCULAR DYSTROPHY; Epidermolysis bullosa simplex with muscular dystrophy. Identifiers: Orphanet 257, MedGen C2931072, MONDO:0009181, OMIM 226670.
Epidermolysis bullosa simplex 5C, with pyloric atresia (EBS5C). Also called: PLEC-Related Epidermolysis Bullosa with Pyloric Atresia; Epidermolysis bullosa simplex with pyloric atresia; PLEC1-Related Epidermolysis Bullosa with Pyloric Atresia. Identifiers: Orphanet 158684, MedGen C2677349, MONDO:0012807, OMIM 612138.

Allele frequency attached by ClinVar (database versions not stated): gnomAD 0.00002 and 0.00004; TOPMed 0.00006; 1000 Genomes Project 30x 0.00031.
gnomAD v4.1: 83 of 1,580,490 alleles (0.0053%); highest among the groups gnomAD compares: East Asian, 0.093%; no homozygotes.

Submissions (3):

Labcorp Genetics (formerly Invitae), Labcorp
Classification: Likely benign for Autosomal recessive limb-girdle muscular dystrophy type 2Q; Epidermolysis bullosa simplex, Ogna type; Epidermolysis bullosa simplex with nail dystrophy; Epidermolysis bullosa simplex 5C, with pyloric atresia; Epidermolysis bullosa simplex 5B, with muscular dystrophy. Last evaluated: 2025-12-08. Review status: criteria provided, single submitter. Criteria: Invitae Variant Classification Sherloc (09022015). Collection method: clinical testing. Allele origin: germline.

Ambry Genetics
Classification: Likely benign for Inborn genetic diseases. Last evaluated: 2024-03-26. Review status: criteria provided, single submitter. Criteria: Ambry Variant Classification Scheme 2023. Collection method: clinical testing. Allele origin: germline.

CeGaT Center for Human Genetics Tuebingen
Classification: Likely benign. Last evaluated: 2022-06-01. Review status: criteria provided, single submitter. Criteria: CeGaT Center For Human Genetics Tuebingen Variant Classification Criteria Version 2. Collection method: clinical testing. Allele origin: germline. Affected: yes. Observed: 1 variant allele.
Comment: PLEC: BP4, BP7